The following is an entry in ClinVar:

ClinVar aggregate classification (germline): Pathogenic. Review status: criteria provided, multiple submitters, no conflicts (2 of 4 stars). 2 submissions from 2 submitters: Pathogenic (2). Last evaluated 2024-08-28.

Conditions:
Autosomal recessive limb-girdle muscular dystrophy type R18 (LGMDR18). Also called: Limb-girdle muscular dystrophy, type 2S; MUSCULAR DYSTROPHY, LIMB-GIRDLE, AUTOSOMAL RECESSIVE 18; Autosomal recessive limb-girdle muscular dystrophy type 2S. Identifiers: Orphanet 369840, MedGen C4517996, MONDO:0014144, OMIM 615356.

Allele frequency attached by ClinVar (database versions not stated): gnomAD 0.00001; TOPMed 0.00001; ExAC 0.00002.
gnomAD v4.1: 3 of 1,613,946 alleles (0.00019%); highest among the groups gnomAD compares: South Asian, 0.0011%; no homozygotes.

Submissions (2):

Labcorp Genetics (formerly Invitae), Labcorp
Classification: Pathogenic for Autosomal recessive limb-girdle muscular dystrophy type R18. Last evaluated: 2024-08-28. Review status: criteria provided, single submitter. Criteria: Invitae Variant Classification Sherloc (09022015). Collection method: clinical testing. Allele origin: germline.
Comment: This sequence change creates a premature translational stop signal (p.Arg568*) in the TRAPPC11 gene. It is expected to result in an absent or disrupted protein product. Loss-of-function variants in TRAPPC11 are known to be pathogenic (PMID: 23830518, 26322222). This variant is present in population databases (rs200561007, gnomAD 0.0009%). This variant has not been reported in the literature in individuals affected with TRAPPC11-related conditions. ClinVar contains an entry for this variant (Variation ID: 2418901). For these reasons, this variant has been classified as Pathogenic.

Institute of Human Genetics, Clinical Exome/Genome Diagnostics Group, University Hospital Bonn
Classification: Pathogenic for Autosomal recessive limb-girdle muscular dystrophy type R18. Last evaluated: 2023-07-13. Review status: criteria provided, single submitter. Criteria: ACMG Guidelines, 2015. Collection method: clinical testing. Allele origin: germline. Affected: yes.

Literature cited by the submitters: PubMed 23830518 (cited by Labcorp Genetics (formerly Invitae), Labcorp); PubMed 26322222 (cited by Labcorp Genetics (formerly Invitae), Labcorp).

NM_021942.6(TRAPPC11):c.1702C>T (p.Arg568Ter)

Gene: TRAPPC11 (trafficking protein particle complex subunit 11; plus strand). Cytogenetic location: 4q35.1.
Variant type: single nucleotide variant.
Coding change: c.1702C>T on transcript NM_021942.6 (MANE Select); coding-DNA position 1702, C replaced by T.
Protein change: p.Arg568Ter; replaces arginine 568 with a stop codon.
Molecular consequence: nonsense.
Genome position (GRCh38, 1-based): chr4:183,685,343, C>T. VCF-style: chr4-183685343-C-T. GRCh37 (hg19) VCF-style: chr4-184606496-C-T.
Other names: c.1702C>T, p.Arg568Ter (NM_199053.3); short protein forms R568*.
Identifiers: ClinVar variation 2418901 (VCV002418901.10), dbSNP rs200561007, ClinGen allele CA3151998.